The following is an entry in ClinVar:

NM_000059.4(BRCA2):c.5007_5008insCGCGGTGGCGGGCGCCTGTAGTCCCAGCTACTCGGGAGGCTGAGGCAGGAGAATGGCTTGAACCCGGGAGGCGGAGCTTGCAGTGAGCCGAGATTCCNNNNAAAAAAAAAAAAAAAAAAAAAAAAAAAAAAAAAA (p.Ala1670delinsArgGlyGlyGlyArgLeuTer)

Gene: BRCA2 (BRCA2 DNA repair associated; plus strand). Cytogenetic location: 13q13.1.
Variant type: Insertion.
Coding change: c.5007_5008insCGCGGTGGCGGGCGCCTGTAGTCCCAGCTACTCGGGAGGCTGAGGCAGGAGAATGGCTTGAACCCGGGAGGCGGAGCTTGCAGTGAGCCGAGATTCCNNNNAAAAAAAAAAAAAAAAAAAAAAAAAAAAAAAAAA on transcript NM_000059.4 (MANE Select); coding-DNA positions 5007 to 5008, CGCGGTGGCGGGCGCCTGTAGTCCCAGCTACTCGGGAGGCTGAGGCAGGAGAATGGCTTGAACCCGGGAGGCGGAGCTTGCAGTGAGCCGAGATTCCNNNNAAAAAAAAAAAAAAAAAAAAAAAAAAAAAAAAAA inserted.
Protein change: p.Ala1670delinsArgGlyGlyGlyArgLeuTer.
Molecular consequence: nonsense.
Genome position: GRCh38: chr13:32,339,362-32,339,363. GRCh37 (hg19): chr13:32,913,499-32,913,500.
Identifiers: ClinVar variation 1072558 (VCV001072558.9), dbSNP rs2137512701.

ClinVar aggregate classification (germline): Pathogenic (1 of 4 stars; one submission).

Conditions:
Hereditary breast ovarian cancer syndrome. Also called: Hereditary breast and ovarian cancer syndrome (HBOC); Hereditary breast and/or ovarian cancer syndrome; Hereditary breast and ovarian cancer; BRCA1- and BRCA2-Associated Hereditary Breast and Ovarian Cancer; Hereditary breast and ovarian cancer syndrome; Breast and ovarian cancer. Identifiers: Orphanet 145, MedGen C0677776, MeSH D061325, MONDO:0003582. Disease mechanism: loss of function.

Submission:

Labcorp Genetics (formerly Invitae), Labcorp
Classification: Pathogenic for Hereditary breast ovarian cancer syndrome. Last evaluated: 2018-04-09. Review status: criteria provided, single submitter. Criteria: Invitae Variant Classification Sherloc (09022015). Collection method: clinical testing. Allele origin: germline.
Comment: Retrotransposon insertions including LINE1 (L1), Alu, and SVA (SINE-VNTR-Alu) have been reported to be disease-causing through disruption of either a coding region or splice site (PMID: 19763152, 20307669, 22406018). A retrotransposon insertion at this location in BRCA2 has been reported in individuals undergoing testing for hereditary breast and ovarian cancer (PMID: 29025590). Loss-of-function variants in BRCA2 are known to be pathogenic (PMID: 20104584). For these reasons, this variant has been classified as Pathogenic. This sequence change is an Alu-mediated insertion in exon 11 of the BRCA2 mRNA (c.5007_5008insAlu), causing a frameshift at codon 1670 (p.Ala1670fs). The exact size and sequence of the insertion cannot be determined by the current assay. However, the insertion is expected to result in an absent or disrupted protein product.

Literature cited by the submitters: PubMed 19763152; PubMed 20307669; PubMed 22406018; PubMed 29025590; PubMed 20104584.